The following is an entry in ClinVar:

ClinVar aggregate classification (germline): Uncertain significance (1 of 4 stars; one submission).

Conditions:
Aspartylglucosaminuria (AGU). Also called: AGA DEFICIENCY; GLYCOASPARAGINASE; GLYCOSYLASPARAGINASE DEFICIENCY; Aspartylglucos-aminuria; Aspartylglucos-amidase (AGA) deficiency. Identifiers: Orphanet 93, MedGen C0268225, MONDO:0008830, OMIM 208400, HP:0012068.

Submission:

Labcorp Genetics (formerly Invitae), Labcorp
Classification: Uncertain significance for Aspartylglucosaminuria. Last evaluated: 2022-05-27. Review status: criteria provided, single submitter. Criteria: Invitae Variant Classification Sherloc (09022015). Collection method: clinical testing. Allele origin: germline.
Comment: This variant has not been reported in the literature in individuals affected with AGA-related conditions. This variant is not present in population databases (gnomAD no frequency). This sequence change replaces aspartic acid, which is acidic and polar, with histidine, which is basic and polar, at codon 80 of the AGA protein (p.Asp80His). In summary, the available evidence is currently insufficient to determine the role of this variant in disease. Therefore, it has been classified as a Variant of Uncertain Significance. Advanced modeling of protein sequence and biophysical properties (such as structural, functional, and spatial information, amino acid conservation, physicochemical variation, residue mobility, and thermodynamic stability) performed at Invitae indicates that this missense variant is expected to disrupt AGA protein function.

NM_000027.4(AGA):c.238G>C (p.Asp80His)

Gene: AGA (aspartylglucosaminidase; minus strand). Cytogenetic location: 4q34.3.
Variant type: single nucleotide variant.
Coding change: c.238G>C on transcript NM_000027.4 (MANE Select); coding-DNA position 238, G replaced by C.
Protein change: p.Asp80His; replaces aspartic acid 80 with histidine.
Molecular consequence: missense variant. On other transcripts: non-coding transcript variant (1).
Genome position (GRCh38, 1-based): chr4:177,440,316, C>G on the plus strand (G>C on the coding strand, the complement: AGA is on the minus strand). VCF-style: chr4-177440316-C-G. GRCh37 (hg19) VCF-style: chr4-178361470-C-G.
Other names: c.238G>C, p.Asp80His (NM_001171988.2); short protein forms D80H.
Identifiers: ClinVar variation 1963985 (VCV001963985.5), dbSNP rs748002607, ClinGen allele CA358784225.
Genomic context (GRCh38, chr4:177,440,316, plus strand): 5'-CTGAACGGTGTTCTTACCCATCCATGATCATGGCATCTAGTGTGGTTTCTCCAAGTTCAT[C>G]AGGACTTCCTCCAAAGCCTACAGAGCCGTCACACTGCTCTCTCTCACACATGGCACAGCC-3'
Protein context (NP_000018.2, residues 70-90): DGSVGFGGSP[Asp80His]ELGETTLDAM